The following is an entry in ClinVar:

NM_181507.2(HPS5):c.2404C>T (p.Pro802Ser)

Gene: HPS5 (HPS5 biogenesis of lysosomal organelles complex 2 subunit 2; minus strand). Cytogenetic location: 11p15.1.
Variant type: single nucleotide variant.
Coding change: c.2404C>T on transcript NM_181507.2 (MANE Select); coding-DNA position 2404, C replaced by T.
Protein change: p.Pro802Ser; replaces proline 802 with serine.
Molecular consequence: missense variant.
Genome position (GRCh38, 1-based): chr11:18,291,478, G>A on the plus strand (C>T on the coding strand, the complement: HPS5 is on the minus strand). VCF-style: chr11-18291478-G-A. GRCh37 (hg19) VCF-style: chr11-18313025-G-A.
Other names: c.2062C>T, p.Pro688Ser (NM_007216.4, NM_181508.2); short protein forms P688S, P802S.
Identifiers: ClinVar variation 1901384 (VCV001901384.4), dbSNP rs755743494, ClinGen allele CA5909868.
Genomic context (GRCh38, chr11:18,291,478, plus strand): 5'-TTGATAAGGCAATCTGAGTATTACCTTTCAATCCTTCAATAAAAGTATCCCAAACAGAAG[G>A]GCTATTACTGTAACTAAGCTTGATACTCTCCTTCGCTCTTTTCAAGTTCAGGAGAAAAAA-3'
Protein context (NP_852608.1, residues 792-812): ESIKLSYSNS[Pro802Ser]SVWDTFIEGL

ClinVar aggregate classification (germline): Uncertain significance (1 of 4 stars; one submission).

Allele frequency attached by ClinVar (database versions not stated): TOPMed below 0.00001; gnomAD 0.00003; gnomAD exomes 0.00003; ExAC 0.00007.

Submission:

Labcorp Genetics (formerly Invitae), Labcorp
Classification: Uncertain significance. Last evaluated: 2025-01-27. Review status: criteria provided, single submitter. Criteria: Invitae Variant Classification Sherloc (09022015). Collection method: clinical testing. Allele origin: germline.
Comment: This sequence change replaces proline, which is neutral and non-polar, with serine, which is neutral and polar, at codon 802 of the HPS5 protein (p.Pro802Ser). This variant is present in population databases (rs755743494, gnomAD 0.05%). This variant has not been reported in the literature in individuals affected with HPS5-related conditions. ClinVar contains an entry for this variant (Variation ID: 1901384). An algorithm developed to predict the effect of missense changes on protein structure and function outputs the following: PolyPhen-2: "Benign". The serine amino acid residue is found in multiple mammalian species, which suggests that this missense change does not adversely affect protein function. In summary, the available evidence is currently insufficient to determine the role of this variant in disease. Therefore, it has been classified as a Variant of Uncertain Significance.